The following is an entry in ClinVar:

NM_033120.4(NKD2):c.1315CAC[7] (p.His446_His447del)

Gene: NKD2 (NKD inhibitor of Wnt signaling pathway 2; plus strand). Cytogenetic location: 5p15.33.
Variant type: Microsatellite.
Coding change: c.1315CAC[7] on transcript NM_033120.4 (MANE Select); seven copies in a row of the 3-base unit CAC starting at c.1315; the reference has nine copies in a row; two copies, 6 bases deleted.
Protein change: p.His446_His447del.
Molecular consequence: inframe deletion. On other transcripts: 3 prime UTR variant (1).
Genome position (GRCh38, 1-based): chr5:1,038,353-1,038,358, CACCAC deleted; deleting any 6 consecutive bases within chr5:1,038,332-1,038,358 gives the same sequence; the position shown is the placement nearest the transcript's 3' end. VCF-style (leftmost placement, unchanged base first): chr5-1038331-GCACCAC-G. GRCh37 (hg19) VCF-style: chr5-1038446-GCACCAC-G.
Other names: c.*558CAC[7] (NM_001271082.2).
Identifiers: ClinVar variation 2655265 (VCV002655265.24), dbSNP rs3840989, ClinGen allele CA3180813.

ClinVar aggregate classification (germline): Likely benign (1 of 4 stars; one submission).

Submission:

CeGaT Center for Human Genetics Tuebingen
Classification: Likely benign. Last evaluated: 2022-12-01. Review status: criteria provided, single submitter. Criteria: CeGaT Center For Human Genetics Tuebingen Variant Classification Criteria Version 2. Collection method: clinical testing. Allele origin: germline. Affected: yes. Observed: 1 variant allele.
Comment: NKD2: BS2